The following is an entry in ClinVar:

NM_013254.4(TBK1):c.430G>A (p.Val144Ile)

Gene: TBK1 (TANK binding kinase 1; plus strand). Cytogenetic location: 12q14.2.
Variant type: single nucleotide variant.
Coding change: c.430G>A on transcript NM_013254.4 (MANE Select); coding-DNA position 430, G replaced by A.
Protein change: p.Val144Ile; replaces valine 144 with isoleucine.
Molecular consequence: missense variant.
Genome position (GRCh38, 1-based): chr12:64,466,972, G>A. VCF-style: chr12-64466972-G-A. GRCh37 (hg19) VCF-style: chr12-64860752-G-A.
Other names: short protein forms V144I.
Identifiers: ClinVar variation 2729485 (VCV002729485.3), dbSNP rs776263727, ClinGen allele CA6668813.

ClinVar aggregate classification (germline): Uncertain significance (1 of 4 stars; one submission).

Conditions:
Frontotemporal dementia and/or amyotrophic lateral sclerosis 4. Also called: FTDALS4. Identifiers: Orphanet 275872, MedGen C4225325, MONDO:0014641, OMIM 616439.

Allele frequency attached by ClinVar (database versions not stated): ExAC 0.00001; gnomAD exomes 0.00002.

Submission:

Labcorp Genetics (formerly Invitae), Labcorp
Classification: Uncertain significance for Frontotemporal dementia and/or amyotrophic lateral sclerosis 4. Last evaluated: 2023-03-03. Review status: criteria provided, single submitter. Criteria: Invitae Variant Classification Sherloc (09022015). Collection method: clinical testing. Allele origin: germline.
Comment: This sequence change replaces valine, which is neutral and non-polar, with isoleucine, which is neutral and non-polar, at codon 144 of the TBK1 protein (p.Val144Ile). This variant is present in population databases (rs776263727, gnomAD 0.006%). This variant has not been reported in the literature in individuals affected with TBK1-related conditions. Advanced modeling of protein sequence and biophysical properties (such as structural, functional, and spatial information, amino acid conservation, physicochemical variation, residue mobility, and thermodynamic stability) performed at Invitae indicates that this missense variant is not expected to disrupt TBK1 protein function. In summary, the available evidence is currently insufficient to determine the role of this variant in disease. Therefore, it has been classified as a Variant of Uncertain Significance.